The following is an entry in ClinVar:

ClinVar aggregate classification (germline): Uncertain significance. Review status: criteria provided, multiple submitters, no conflicts (2 of 4 stars). 2 submissions from 2 submitters: Uncertain significance (2). Last evaluated 2025-02-18.

Conditions:
Inborn genetic diseases. Identifiers: MedGen C0950123, MeSH D030342.

gnomAD v4.1: 2 of 1,614,216 alleles (0.00012%); highest among the groups gnomAD compares: Non-Finnish European, 0.00017%; no homozygotes.

Submissions (2):

GeneDx
Classification: Uncertain significance. Last evaluated: 2025-02-18. Review status: criteria provided, single submitter. Criteria: GeneDx Variant Classification Process June 2021. Collection method: clinical testing. Allele origin: germline. Affected: yes.
Comment: Not observed at significant frequency in large population cohorts (gnomAD); In silico analysis supports that this missense variant has a deleterious effect on protein structure/function; Has not been previously published as pathogenic or benign to our knowledge

Ambry Genetics
Classification: Uncertain significance for Inborn genetic diseases. Last evaluated: 2023-09-26. Review status: criteria provided, single submitter. Criteria: Ambry Variant Classification Scheme 2023. Collection method: clinical testing. Allele origin: germline.

NM_004818.3(DDX23):c.534G>T (p.Gln178His)

Gene: DDX23 (DEAD-box helicase 23; minus strand). Cytogenetic location: 12q13.12.
Variant type: single nucleotide variant.
Coding change: c.534G>T on transcript NM_004818.3 (MANE Select); coding-DNA position 534, G replaced by T.
Protein change: p.Gln178His; replaces glutamine 178 with histidine.
Molecular consequence: missense variant.
Genome position (GRCh38, 1-based): chr12:48,838,027, C>A on the plus strand (G>T on the coding strand, the complement: DDX23 is on the minus strand). VCF-style: chr12-48838027-C-A. GRCh37 (hg19) VCF-style: chr12-49231810-C-A.
Other names: short protein forms Q178H.
Identifiers: ClinVar variation 3080944 (VCV003080944.3), dbSNP rs2498756476, ClinGen allele CA384680079.